The following is an entry in ClinVar:

NM_147127.5(EVC2):c.3659+5T>C

Gene: EVC2 (EvC ciliary complex subunit 2; minus strand). Cytogenetic location: 4p16.2.
Variant type: single nucleotide variant.
Coding change: c.3659+5T>C on transcript NM_147127.5 (MANE Select); 5 bases into the intron after coding-DNA position 3659, T replaced by C.
Molecular consequence: intron variant.
Genome position (GRCh38, 1-based): chr4:5,565,253, A>G on the plus strand (T>C on the coding strand, the complement: EVC2 is on the minus strand). VCF-style: chr4-5565253-A-G. GRCh37 (hg19) VCF-style: chr4-5566980-A-G.
Other names: c.3419+5T>C (NM_001166136.2).
Identifiers: ClinVar variation 999739 (VCV000999739.10), dbSNP rs1722200321, ClinGen allele CA1435391957.

ClinVar aggregate classification (germline): Uncertain significance (1 of 4 stars; one submission).

Conditions:
Ellis-van Creveld syndrome (EVC). Also called: EVC-Related Ellis-van Creveld Syndrome; EVC2-Related Ellis-van Creveld Syndrome; MESOECTODERMAL DYSPLASIA; Chondroectodermal dysplasia. Identifiers: Orphanet 289, MedGen C0013903, MONDO:0009162, OMIM 225500.
Curry-Hall syndrome (WAD). Also called: WEYERS ACRODENTAL DYSOSTOSIS. Identifiers: Orphanet 952, MedGen C0457013, MONDO:0008673, OMIM 193530.

Submission:

Labcorp Genetics (formerly Invitae), Labcorp
Classification: Uncertain significance for Curry-Hall syndrome; Ellis-van Creveld syndrome. Last evaluated: 2020-02-20. Review status: criteria provided, single submitter. Criteria: Invitae Variant Classification Sherloc (09022015). Collection method: clinical testing. Allele origin: germline.
Comment: In summary, the available evidence is currently insufficient to determine the role of this variant in disease. Therefore, it has been classified as a Variant of Uncertain Significance. Nucleotide substitutions within the consensus splice site are a relatively common cause of aberrant splicing (PMID: 17576681, 9536098). Algorithms developed to predict the effect of sequence changes on RNA splicing suggest that this variant is not likely to affect RNA splicing, but this prediction has not been confirmed by published transcriptional studies. This variant has not been reported in the literature in individuals with EVC2-related conditions. This variant is not present in population databases (ExAC no frequency). This sequence change falls in intron 21 of the EVC2 gene. It does not directly change the encoded amino acid sequence of the EVC2 protein, but it affects a nucleotide within the consensus splice site of the intron.

Literature cited by the submitters: PubMed 17576681; PubMed 9536098.